The following is an entry in ClinVar:

NM_001267550.2(TTN):c.77679T>A (p.Pro25893=)

Genes: TTN-AS1 (TTN antisense RNA 1; plus strand), TTN (titin; minus strand). Cytogenetic location: 2q31.2.
Variant type: single nucleotide variant.
Coding change: c.77679T>A on transcript NM_001267550.2 (MANE Select); coding-DNA position 77679, T replaced by A.
Protein change: p.Pro25893=; no amino-acid change (proline 25893 retained).
Molecular consequence: synonymous variant.
Genome position (GRCh38, 1-based): chr2:178,568,453, A>T on the plus strand (T>A on the coding strand, the complement: TTN is on the minus strand). VCF-style: chr2-178568453-A-T. GRCh37 (hg19) VCF-style: chr2-179433180-A-T.
Other names: c.72756T>A, p.Pro24252= (NM_001256850.1); c.50484T>A, p.Pro16828= (NM_003319.4); c.69975T>A, p.Pro23325= (NM_133378.4); c.50859T>A, p.Pro16953= (NM_133432.3); c.51060T>A, p.Pro17020= (NM_133437.4).
Identifiers: ClinVar variation 1086064 (VCV001086064.13), dbSNP rs754965979, ClinGen allele CA1989729.

ClinVar aggregate classification (germline): Likely benign. Review status: criteria provided, multiple submitters, no conflicts (2 of 4 stars). 2 submissions from 2 submitters: Likely benign (2). Last evaluated 2025-10-20.

Conditions:
Dilated cardiomyopathy 1G (CMD1G). Identifiers: Orphanet 154, MedGen C1858763, MONDO:0011400, OMIM 604145.
Autosomal recessive limb-girdle muscular dystrophy type 2J (LGMDR10). Also called: Limb-girdle muscular dystrophy, type 2J; MUSCULAR DYSTROPHY, LIMB-GIRDLE, AUTOSOMAL RECESSIVE 10. Identifiers: Orphanet 140922, MedGen C1837342, MONDO:0012127, OMIM 608807.

Allele frequency attached by ClinVar (database versions not stated): gnomAD 0.00001; gnomAD exomes 0.00001; ExAC 0.00002.
gnomAD v4.1: 5 of 1,613,224 alleles (0.00031%); highest among the groups gnomAD compares: Admixed American, 0.0083%; no homozygotes.

Submissions (2):

Labcorp Genetics (formerly Invitae), Labcorp
Classification: Likely benign for Dilated cardiomyopathy 1G; Autosomal recessive limb-girdle muscular dystrophy type 2J. Last evaluated: 2025-10-20. Review status: criteria provided, single submitter. Criteria: Invitae Variant Classification Sherloc (09022015). Collection method: clinical testing. Allele origin: germline.

Women's Health and Genetics/Laboratory Corporation of America, LabCorp
Classification: Likely benign. Last evaluated: 2022-01-17. Review status: criteria provided, single submitter. Criteria: LabCorp Variant Classification Summary - May 2015. Collection method: clinical testing. Allele origin: germline.
Comment: Variant summary: TTN c.69975T>A alters a conserved nucleotide resulting in a synonymous change in the I band Ig-like domain. 4/4 computational tools predict no significant impact on normal splicing. However, these predictions have yet to be confirmed by functional studies.The variant allele was found at a frequency of 8.1e-06 in 248248 control chromosomes (gnomAD). The available data on variant occurrences in the general population are insufficient to allow any conclusion about variant significance. To our knowledge, no occurrence of c.69975T>A in individuals affected with Dilated Cardiomyopathy and no experimental evidence demonstrating its impact on protein function have been reported. One clinical diagnostic laboratory has submitted clinical-significance assessments for this variant to ClinVar after 2014 and classified the variant as likely benign. Based on the evidence outlined above, the variant was classified as likely benign.